The following is an entry in ClinVar:

NM_001105247.2(ARMC5):c.97C>T (p.Pro33Ser)

Gene: ARMC5 (armadillo repeat containing 5; plus strand). Cytogenetic location: 16p11.2.
Variant type: single nucleotide variant.
Coding change: c.97C>T on transcript NM_001105247.2 (MANE Select); coding-DNA position 97, C replaced by T.
Protein change: p.Pro33Ser; replaces proline 33 with serine.
Molecular consequence: missense variant.
Genome position (GRCh38, 1-based): chr16:31,459,621, C>T. VCF-style: chr16-31459621-C-T. GRCh37 (hg19) VCF-style: chr16-31470942-C-T.
Other names: c.382C>T, p.Pro128Ser (NM_001288767.2); c.193C>T, p.Pro65Ser (NM_001301820.1); c.97C>T, p.Pro33Ser (NM_024742.2); c.382C>T (NM_001288767.1); short protein forms P128S, P65S, P33S.
Identifiers: ClinVar variation 2540432 (VCV002540432.7), dbSNP rs200309618, ClinGen allele CA8029346.

ClinVar aggregate classification (germline): Conflicting classifications of pathogenicity. Review status: criteria provided, conflicting classifications (1 of 4 stars). 4 submissions from 4 submitters: Uncertain significance (2); Likely benign (1). 1 of the submissions does not count toward it. Last evaluated 2026-05-01.

Conditions:
ARMC5-related disorder. Also called: ARMC5-related condition.
Inborn genetic diseases. Identifiers: MedGen C0950123, MeSH D030342.

Allele frequency attached by ClinVar (database versions not stated): 1000 Genomes Project 0.00020; ESP Exome Variant Server 0.00025; 1000 Genomes Project 30x 0.00031; ExAC 0.00043; TOPMed 0.00075; gnomAD exomes 0.00077.
gnomAD v4.1: 1,211 of 1,596,928 alleles (0.076%); highest among the groups gnomAD compares: Admixed American, 0.11%; 1 homozygote.

Submissions (4):

CeGaT Center for Human Genetics Tuebingen
Classification: Likely benign. Last evaluated: 2026-05-01. Review status: criteria provided, single submitter. Criteria: CeGaT Center For Human Genetics Tuebingen Variant Classification Criteria Version 2. Collection method: clinical testing. Allele origin: germline. Affected: yes. Observed: 1 variant allele.
Comment: ARMC5: BP4

Women's Health and Genetics/Laboratory Corporation of America, LabCorp
Classification: Uncertain significance. Last evaluated: 2025-12-04. Review status: criteria provided, single submitter. Criteria: LabCorp Variant Classification Summary - May 2015. Collection method: clinical testing. Allele origin: germline.
Comment: Variant summary: ARMC5 c.97C>T (p.Pro33Ser) results in a non-conservative amino acid change in the encoded protein sequence. Algorithms developed to predict the effect of missense changes on protein structure and function are either unavailable or do not agree on the potential impact of this missense change. The variant allele was found at a frequency of 0.00049 in 227276 control chromosomes. This frequency is not significantly higher than estimated for disease-causing variants in ARMC5, allowing no conclusion about variant significance. To our knowledge, no occurrence of c.97C>T in individuals affected with ARMC5-related conditions has been reported. At least one publication reports experimental evidence evaluating an impact on protein function and found that the variant has no impact on POLR2A binding or ubiquitination (Luo_2024); however, these findings do not allow convincing conclusions about the variant effect. The following publication has been ascertained in the context of this evaluation (PMID: 38225631). ClinVar contains an entry for this variant (Variation ID: 2540432). Based on the evidence outlined above, the variant was classified as uncertain significance.

Ambry Genetics
Classification: Uncertain significance for Inborn genetic diseases. Last evaluated: 2023-04-13. Review status: criteria provided, single submitter. Criteria: Ambry Variant Classification Scheme 2023. Collection method: clinical testing. Allele origin: germline.

PreventionGenetics, part of Exact Sciences
Classification: Likely benign for ARMC5-related condition. Last evaluated: 2022-04-15. Review status: no assertion criteria provided. Collection method: clinical testing. Allele origin: germline. Not counted in ClinVar's aggregate classification.
Comment: This variant is classified as likely benign based on ACMG/AMP sequence variant interpretation guidelines (Richards et al. 2015 PMID: 25741868, with internal and published modifications).

Literature cited by the submitters: PubMed 38225631 (cited by Women's Health and Genetics/Laboratory Corporation of America, LabCorp).